The following is an entry in ClinVar:

NM_000063.6(C2):c.599C>T (p.Thr200Met)

Gene: C2 (complement C2; plus strand). Cytogenetic location: 6p21.33.
Variant type: single nucleotide variant.
Coding change: c.599C>T on transcript NM_000063.6 (MANE Select); coding-DNA position 599, C replaced by T.
Protein change: p.Thr200Met; replaces threonine 200 with methionine.
Molecular consequence: missense variant.
Genome position (GRCh38, 1-based): chr6:31,933,766, C>T. VCF-style: chr6-31933766-C-T. GRCh37 (hg19) VCF-style: chr6-31901543-C-T.
Other names: c.203C>T, p.Thr68Met (NM_001145903.3); c.230C>T, p.Thr77Met (NM_001178063.3); c.94C>T, p.Arg32Trp (NM_001282457.2); c.512C>T, p.Thr171Met (NM_001282458.2); c.599C>T, p.Thr200Met (NM_001282459.2); short protein forms T171M, T200M, T68M, T77M, R32W.
Identifiers: ClinVar variation 1926730 (VCV001926730.4), dbSNP rs772837862, ClinGen allele CA3727439.

ClinVar aggregate classification (germline): Uncertain significance (1 of 4 stars; one submission).

Allele frequency attached by ClinVar (database versions not stated): ExAC 0.00001; gnomAD 0.00001; gnomAD exomes 0.00003.
gnomAD v4.1: 43 of 1,613,698 alleles (0.0027%); highest among the groups gnomAD compares: Admixed American, 0.0067%; no homozygotes.

Submission:

Labcorp Genetics (formerly Invitae), Labcorp
Classification: Uncertain significance. Last evaluated: 2022-07-27. Review status: criteria provided, single submitter. Criteria: Invitae Variant Classification Sherloc (09022015). Collection method: clinical testing. Allele origin: germline.
Comment: This variant has not been reported in the literature in individuals affected with C2-related conditions. In summary, the available evidence is currently insufficient to determine the role of this variant in disease. Therefore, it has been classified as a Variant of Uncertain Significance. Algorithms developed to predict the effect of missense changes on protein structure and function output the following: SIFT: "Deleterious"; PolyPhen-2: "Benign"; Align-GVGD: "Class C15". The methionine amino acid residue is found in multiple mammalian species, which suggests that this missense change does not adversely affect protein function. This variant is present in population databases (rs772837862, gnomAD 0.01%). This sequence change replaces threonine, which is neutral and polar, with methionine, which is neutral and non-polar, at codon 200 of the C2 protein (p.Thr200Met).